The following is an entry in ClinVar:

ClinVar aggregate classification (germline): Uncertain significance (1 of 4 stars; one submission).

Conditions:
Ataxia-telangiectasia syndrome (AT). Also called: Ataxia-telangiectasia, complementation group E; Ataxia-telangiectasia; Ataxia telangiectasia (A-T); Cerebello-oculocutaneous telangiectasia; Immunodeficiency with ataxia telangiectasia; LOUIS-BAR SYNDROME. Identifiers: Orphanet 100, MedGen C0004135, MONDO:0008840, OMIM 208900.

Submission:

Labcorp Genetics (formerly Invitae), Labcorp
Classification: Uncertain significance for Ataxia-telangiectasia syndrome. Last evaluated: 2022-09-07. Review status: criteria provided, single submitter. Criteria: Invitae Variant Classification Sherloc (09022015). Collection method: clinical testing. Allele origin: germline.
Comment: This sequence change replaces lysine, which is basic and polar, with threonine, which is neutral and polar, at codon 53 of the ATM protein (p.Lys53Thr). This variant is not present in population databases (gnomAD no frequency). In summary, the available evidence is currently insufficient to determine the role of this variant in disease. Therefore, it has been classified as a Variant of Uncertain Significance. Advanced modeling of protein sequence and biophysical properties (such as structural, functional, and spatial information, amino acid conservation, physicochemical variation, residue mobility, and thermodynamic stability) performed at Invitae indicates that this missense variant is not expected to disrupt ATM protein function. This variant has not been reported in the literature in individuals affected with ATM-related conditions.

NM_000051.4(ATM):c.158A>C (p.Lys53Thr)

Gene: ATM (ATM serine/threonine kinase; plus strand). Cytogenetic location: 11q22.3.
Variant type: single nucleotide variant.
Coding change: c.158A>C on transcript NM_000051.4 (MANE Select); coding-DNA position 158, A replaced by C.
Protein change: p.Lys53Thr; replaces lysine 53 with threonine.
Molecular consequence: missense variant.
Genome position (GRCh38, 1-based): chr11:108,227,861, A>C. VCF-style: chr11-108227861-A-C. GRCh37 (hg19) VCF-style: chr11-108098588-A-C.
Other names: c.158A>C, p.Lys53Thr (NM_001351834.2, NM_001351835.2, NM_001351836.2); short protein forms K53T.
Identifiers: ClinVar variation 2068255 (VCV002068255.4), dbSNP rs2135014144, ClinGen allele CA382520366.